The following is an entry in ClinVar:

NM_000444.6(PHEX):c.1732G>C (p.Val578Leu)

Genes: PHEX (phosphate regulating endopeptidase X-linked; plus strand), PTCHD1-AS (PTCHD1 and PHEX antisense RNA; minus strand). Cytogenetic location: Xp22.11.
Variant type: single nucleotide variant.
Coding change: c.1732G>C on transcript NM_000444.6 (MANE Select); coding-DNA position 1732, G replaced by C.
Protein change: p.Val578Leu; replaces valine 578 with leucine.
Molecular consequence: missense variant.
Genome position (GRCh38, 1-based): chrX:22,219,067, G>C. VCF-style: chrX-22219067-G-C. GRCh37 (hg19) VCF-style: chrX-22237184-G-C.
Other names: c.1732G>C, p.Val578Leu (NM_001282754.2); short protein forms V578L.
Identifiers: ClinVar variation 1925635 (VCV001925635.5), dbSNP rs2518660138, ClinGen allele CA412575777.

ClinVar aggregate classification (germline): Uncertain significance (1 of 4 stars; one submission).

Allele frequency attached by ClinVar (database versions not stated): gnomAD exomes below 0.00001.
gnomAD v4.1: 3 of 1,187,623 alleles (0.00025%); highest among the groups gnomAD compares: Non-Finnish European, 0.00023%; no homozygotes.

Submission:

Labcorp Genetics (formerly Invitae), Labcorp
Classification: Uncertain significance. Last evaluated: 2022-08-23. Review status: criteria provided, single submitter. Criteria: Invitae Variant Classification Sherloc (09022015). Collection method: clinical testing. Allele origin: germline.
Comment: This variant has not been reported in the literature in individuals affected with PHEX-related conditions. This variant is not present in population databases (gnomAD no frequency). This sequence change replaces valine, which is neutral and non-polar, with leucine, which is neutral and non-polar, at codon 578 of the PHEX protein (p.Val578Leu). Advanced modeling of protein sequence and biophysical properties (such as structural, functional, and spatial information, amino acid conservation, physicochemical variation, residue mobility, and thermodynamic stability) performed at Invitae indicates that this missense variant is not expected to disrupt PHEX protein function. In summary, the available evidence is currently insufficient to determine the role of this variant in disease. Therefore, it has been classified as a Variant of Uncertain Significance.